The following is an entry in ClinVar:

NM_001371623.1(TCOF1):c.4374GAA[2] (p.Lys1461del)

Gene: TCOF1 (treacle ribosome biogenesis factor 1; plus strand). Cytogenetic location: 5q32.
Variant type: Microsatellite.
Coding change: c.4374GAA[2] on transcript NM_001371623.1 (MANE Select); two copies in a row of the 3-base unit GAA starting at c.4374; the reference has three copies in a row; one copy, 3 bases deleted.
Protein change: p.Lys1461del; deletes lysine 1461.
Molecular consequence: inframe deletion.
Genome position (GRCh38, 1-based): chr5:150,398,388-150,398,390, GAA deleted; deleting any 3 consecutive bases within chr5:150,398,380-150,398,390 gives the same sequence; the position shown is the placement nearest the transcript's 3' end. VCF-style (leftmost placement, unchanged base first): chr5-150398379-AAAG-A. GRCh37 (hg19) VCF-style: chr5-149777942-AAAG-A.
Other names: c.4377_4379delGAA (NM_001135243.1); c.4140GAA[2], p.Lys1383del (NM_000356.4); c.4371GAA[2], p.Lys1460del (NM_001135243.2); c.4260GAA[2], p.Lys1423del (NM_001135244.2); c.4143GAA[2], p.Lys1384del (NM_001135245.2); c.4257GAA[2], p.Lys1422del (NM_001195141.2); short protein forms K1383del, K1423del, K1384del, K1460del, K1422del, K1461del.
Identifiers: ClinVar variation 209016 (VCV000209016.22), dbSNP rs151344581, ClinGen allele CA276073.

ClinVar aggregate classification (germline): Benign/Likely benign. Review status: criteria provided, multiple submitters, no conflicts (2 of 4 stars). 6 submissions from 6 submitters: Benign (2); Likely benign (3). 1 of the submissions does not count toward it. Last evaluated 2026-08-01.

Conditions:
Treacher Collins syndrome 1 (TCS1). Also called: TCOF1-Related Treacher Collins Syndrome. Identifiers: Orphanet 861, MedGen CN315775, MONDO:0007944, OMIM 154500.
TCOF1-related disorder. Also called: TCOF1-related condition.

Submissions (6):

CeGaT Center for Human Genetics Tuebingen
Classification: Likely benign. Last evaluated: 2026-08-01. Review status: criteria provided, single submitter. Criteria: CeGaT Center For Human Genetics Tuebingen Variant Classification Criteria Version 2. Collection method: clinical testing. Allele origin: germline. Affected: yes. Observed: 2 variant alleles.
Comment: TCOF1: BS1

Labcorp Genetics (formerly Invitae), Labcorp
Classification: Benign for Treacher Collins syndrome 1. Last evaluated: 2025-09-30. Review status: criteria provided, single submitter. Criteria: Invitae Variant Classification Sherloc (09022015). Collection method: clinical testing. Allele origin: germline.

Blueprint Genetics
Classification: Likely benign. Last evaluated: 2024-11-12. Review status: criteria provided, single submitter. Criteria: ACMG Guidelines, 2015. Collection method: clinical testing. Allele origin: germline.

PreventionGenetics, part of Exact Sciences
Classification: Likely benign for TCOF1-related condition. Last evaluated: 2024-10-15. Review status: criteria provided, single submitter. Criteria: ACMG Guidelines, 2015. Collection method: clinical testing. Allele origin: germline.
Comment: This variant is classified as likely benign based on ACMG/AMP sequence variant interpretation guidelines (Richards et al. 2015 PMID: 25741868, with internal and published modifications).

GeneDx
Classification: Benign. Last evaluated: 2019-05-20. Review status: criteria provided, single submitter. Criteria: GeneDx Variant Classification Process June 2021. Collection method: clinical testing. Allele origin: germline. Affected: yes.
Comment: This variant is associated with the following publications: (PMID: 20003452)

Genetics Laboratories, Oxford Radcliffe Hospitals NHS Trust
Classification: Uncertain significance for Treacher collins syndrome 1. Review status: no assertion criteria provided. Collection method: not provided. Allele origin: somatic. Not counted in ClinVar's aggregate classification.
ClinVar note: Converted during submission from Unknown significance to Uncertain significance.